The following is an entry in ClinVar:

NM_018834.6(MATR3):c.463A>C (p.Thr155Pro)

Gene: MATR3 (matrin 3; plus strand). Cytogenetic location: 5q31.2.
Variant type: single nucleotide variant.
Coding change: c.463A>C on transcript NM_018834.6 (MANE Select); coding-DNA position 463, A replaced by C.
Protein change: p.Thr155Pro; replaces threonine 155 with proline.
Molecular consequence: missense variant. On other transcripts: intron variant (11).
Genome position (GRCh38, 1-based): chr5:139,307,878, A>C. VCF-style: chr5-139307878-A-C. GRCh37 (hg19) VCF-style: chr5-138643567-A-C.
Other names: c.463A>C, p.Thr155Pro (NM_001194954.2, NM_001194955.2, NM_001400441.1 and 16 more transcripts); c.52-6797A>C (NM_001400459.1); c.-102-6797A>C (NM_001400463.1, NM_001400460.1, NM_001282278.2 and 3 more transcripts); c.-40-7819A>C (NM_001400462.1, NM_001400467.1); c.13-6797A>C (NM_001400461.1); c.49-6797A>C (NM_001194956.2); short protein forms T155P.
Identifiers: ClinVar variation 2637349 (VCV002637349.1), dbSNP rs766473689, ClinGen allele CA3432906.

ClinVar aggregate classification (germline): Uncertain significance (1 of 4 stars; one submission).

Conditions:
MATR3-related disorder. Also called: MATR3-related condition.

Allele frequency attached by ClinVar (database versions not stated): ExAC 0.00002.
gnomAD v4.1: 3 of 1,614,070 alleles (0.00019%); highest among the groups gnomAD compares: Non-Finnish European, 0.00025%; no homozygotes.

Submission:

PreventionGenetics, part of Exact Sciences
Classification: Uncertain significance for MATR3-related condition. Last evaluated: 2022-10-26. Review status: criteria provided, single submitter. Criteria: ACMG Guidelines, 2015. Collection method: clinical testing. Allele origin: germline.
Comment: The MATR3 c.463A>C variant is predicted to result in the amino acid substitution p.Thr155Pro. To our knowledge, this variant has not been reported in the literature. This variant is reported in 0.0026% of alleles in individuals of European (Non-Finnish) descent in gnomAD. At this time, the clinical significance of this variant is uncertain due to the absence of conclusive functional and genetic evidence.